The following is an entry in ClinVar:

NM_004999.4(MYO6):c.117+1G>A

Gene: MYO6 (myosin VI; plus strand). Cytogenetic location: 6q14.1.
Variant type: single nucleotide variant.
Coding change: c.117+1G>A on transcript NM_004999.4 (MANE Select); the canonical splice donor site of the intron after coding-DNA position 117, G replaced by A.
Molecular consequence: splice donor variant.
Genome position (GRCh38, 1-based): chr6:75,817,665, G>A. VCF-style: chr6-75817665-G-A. GRCh37 (hg19) VCF-style: chr6-76527382-G-A.
Other names: c.117+1G>A (NM_001368865.1, NM_001368866.1, NM_001368137.1 and 5 more transcripts).
Identifiers: ClinVar variation 3601438 (VCV003601438.1).
Genomic context (GRCh38, chr6:75,817,665, plus strand): 5'-AATATTGTGGATATTGGCCCCGACAGCTTAACAATTGAACCCTTGAATCAGAAAGGCAAG[G>A]TGAGTTTCTCAGAAAGATGTTGAAATATGATTTCTTTCAAAAATAGGTGTTTTTTTTCAC-3'

ClinVar aggregate classification (germline): Likely pathogenic (1 of 4 stars; one submission).

Conditions:
Autosomal recessive nonsyndromic hearing loss 37. Identifiers: Orphanet 90636, MedGen C1843028, MONDO:0011912, OMIM 607821.

gnomAD v4.1: 2 of 1,611,724 alleles (0.00012%); highest among the groups gnomAD compares: Non-Finnish European, 0.00017%; no homozygotes.

Submission:

Institute of Rare Diseases, West China Hospital, Sichuan University
Classification: Likely pathogenic for Autosomal recessive nonsyndromic hearing loss 37. Last evaluated: 2025-01-09. Review status: criteria provided, single submitter. Criteria: ClinGen HL ACMG Specifications v1. Collection method: research. Allele origin: germline. Affected: yes.
Comment: PVS1;PM2_Supporting